The following is an entry in ClinVar:

NM_019074.4(DLL4):c.205G>T (p.Val69Phe)

Gene: DLL4 (delta like canonical Notch ligand 4; plus strand). Cytogenetic location: 15q15.1.
Variant type: single nucleotide variant.
Coding change: c.205G>T on transcript NM_019074.4 (MANE Select); coding-DNA position 205, G replaced by T.
Protein change: p.Val69Phe; replaces valine 69 with phenylalanine.
Molecular consequence: missense variant.
Genome position (GRCh38, 1-based): chr15:40,929,985, G>T. VCF-style: chr15-40929985-G-T. GRCh37 (hg19) VCF-style: chr15-41222183-G-T.
Other names: c.205G>T (NM_019074.3); short protein forms V69F.
Identifiers: ClinVar variation 2357441 (VCV002357441.22), dbSNP rs199931075, ClinGen allele CA7487607.

ClinVar aggregate classification (germline): Conflicting classifications of pathogenicity. Review status: criteria provided, conflicting classifications (1 of 4 stars). 4 submissions from 4 submitters: Uncertain significance (1); Likely benign (3). Last evaluated 2025-03-16.

Conditions:
Inborn genetic diseases. Identifiers: MedGen C0950123, MeSH D030342.

Allele frequency attached by ClinVar (database versions not stated): TOPMed 0.00009; gnomAD 0.00012; gnomAD exomes 0.00017; ExAC 0.00021; ESP Exome Variant Server 0.00025.
gnomAD v4.1: 268 of 1,612,934 alleles (0.017%); highest among the groups gnomAD compares: Non-Finnish European, 0.02%; no homozygotes.

Submissions (4):

Labcorp Genetics (formerly Invitae), Labcorp
Classification: Uncertain significance. Last evaluated: 2025-03-16. Review status: criteria provided, single submitter. Criteria: Invitae Variant Classification Sherloc (09022015). Collection method: clinical testing. Allele origin: germline.
Comment: This sequence change replaces valine, which is neutral and non-polar, with phenylalanine, which is neutral and non-polar, at codon 69 of the DLL4 protein (p.Val69Phe). This variant is present in population databases (rs199931075, gnomAD 0.04%), and has an allele count higher than expected for a pathogenic variant. This variant has not been reported in the literature in individuals affected with DLL4-related conditions. ClinVar contains an entry for this variant (Variation ID: 2357441). Invitae Evidence Modeling of protein sequence and biophysical properties (such as structural, functional, and spatial information, amino acid conservation, physicochemical variation, residue mobility, and thermodynamic stability) indicates that this missense variant is not expected to disrupt DLL4 protein function with a negative predictive value of 80%. In summary, the available evidence is currently insufficient to determine the role of this variant in disease. Therefore, it has been classified as a Variant of Uncertain Significance.

CeGaT Center for Human Genetics Tuebingen
Classification: Likely benign. Last evaluated: 2025-02-01. Review status: criteria provided, single submitter. Criteria: CeGaT Center For Human Genetics Tuebingen Variant Classification Criteria Version 2. Collection method: clinical testing. Allele origin: germline. Affected: yes. Observed: 1 variant allele.
Comment: DLL4: PP2, BS2

Blueprint Genetics
Classification: Likely benign. Last evaluated: 2024-10-02. Review status: criteria provided, single submitter. Criteria: ACMG Guidelines, 2015. Collection method: clinical testing. Allele origin: germline.

Ambry Genetics
Classification: Likely benign for Inborn genetic diseases. Last evaluated: 2022-07-26. Review status: criteria provided, single submitter. Criteria: Ambry Variant Classification Scheme 2023. Collection method: clinical testing. Allele origin: germline.